The following is an entry in ClinVar:

ClinVar aggregate classification (germline): Uncertain significance. Review status: criteria provided, multiple submitters, no conflicts (2 of 4 stars). 2 submissions from 2 submitters: Uncertain significance (2). Last evaluated 2025-03-20.

Conditions:
Hypertrophic cardiomyopathy. Also called: HYPERTROPHIC MYOCARDIOPATHY. Identifiers: Orphanet 217569, MedGen C0007194, MeSH D002312, MONDO:0005045, HP:0001639.

Allele frequency attached by ClinVar (database versions not stated): gnomAD exomes below 0.00001 and 0.00001; gnomAD 0.00001; TOPMed 0.00001; ExAC 0.00002; ESP Exome Variant Server 0.00008.

Submissions (2):

Ambry Genetics
Classification: Uncertain significance. Last evaluated: 2025-03-20. Review status: criteria provided, single submitter. Criteria: Ambry Variant Classification Scheme 2023. Collection method: clinical testing. Allele origin: germline.

Labcorp Genetics (formerly Invitae), Labcorp
Classification: Uncertain significance for Hypertrophic cardiomyopathy. Last evaluated: 2022-07-19. Review status: criteria provided, single submitter. Criteria: Invitae Variant Classification Sherloc (09022015). Collection method: clinical testing. Allele origin: germline.
Comment: This sequence change replaces arginine, which is basic and polar, with histidine, which is basic and polar, at codon 23 of the MYOM1 protein (p.Arg23His). This variant is present in population databases (rs369921436, gnomAD 0.003%). This variant has not been reported in the literature in individuals affected with MYOM1-related conditions. ClinVar contains an entry for this variant (Variation ID: 1008111). Algorithms developed to predict the effect of missense changes on protein structure and function output the following: SIFT: "Tolerated"; PolyPhen-2: "Benign"; Align-GVGD: "Class C0". The histidine amino acid residue is found in multiple mammalian species, which suggests that this missense change does not adversely affect protein function. In summary, the available evidence is currently insufficient to determine the role of this variant in disease. Therefore, it has been classified as a Variant of Uncertain Significance.

NM_003803.4(MYOM1):c.68G>A (p.Arg23His)

Gene: MYOM1 (myomesin 1; minus strand). Cytogenetic location: 18p11.31.
Variant type: single nucleotide variant.
Coding change: c.68G>A on transcript NM_003803.4 (MANE Select); coding-DNA position 68, G replaced by A.
Protein change: p.Arg23His; replaces arginine 23 with histidine.
Molecular consequence: missense variant.
Genome position (GRCh38, 1-based): chr18:3,215,156, C>T on the plus strand (G>A on the coding strand, the complement: MYOM1 is on the minus strand). VCF-style: chr18-3215156-C-T. GRCh37 (hg19) VCF-style: chr18-3215154-C-T.
Other names: c.68G>A, p.Arg23His (NM_019856.2); short protein forms R23H.
Identifiers: ClinVar variation 1008111 (VCV001008111.11), dbSNP rs369921436, ClinGen allele CA8875370.
Genomic context (GRCh38, chr18:3,215,156, plus strand): 5'-GAGCCCTGGGTGTAGACGGCGGAGCGTTTCTTCTCCCGCTGGTAGTGACTCACGGTGCTG[C>T]GCACGTCCTTGTTGCGGTAGCTGAGATCATAGTGCTGGTGGCACCTCTGATAAAAAGGCA-3'
Protein context (NP_003794.3, residues 13-33): YDLSYRNKDV[Arg23His]STVSHYQREK